The following is an entry in ClinVar:

ClinVar aggregate classification (germline): Uncertain significance (1 of 4 stars; one submission).

Conditions:
Alstrom syndrome (ALMS). Identifiers: Orphanet 64, MedGen C0268425, MONDO:0008763, OMIM 203800.

Allele frequency attached by ClinVar (database versions not stated): gnomAD exomes below 0.00001.
gnomAD v4.1: 1 of 1,613,940 alleles (0.000062%); highest among the groups gnomAD compares: East Asian, 0.0022%; no homozygotes.

Submission:

Labcorp Genetics (formerly Invitae), Labcorp
Classification: Uncertain significance for Alstrom syndrome. Last evaluated: 2021-03-24. Review status: criteria provided, single submitter. Criteria: Invitae Variant Classification Sherloc (09022015). Collection method: clinical testing. Allele origin: germline.
Comment: This sequence change replaces glutamic acid with glutamine at codon 1773 of the ALMS1 protein (p.Glu1773Gln). The glutamic acid residue is moderately conserved and there is a small physicochemical difference between glutamic acid and glutamine. This variant is not present in population databases (ExAC no frequency). This variant has not been reported in the literature in individuals with ALMS1-related conditions. Experimental studies and prediction algorithms are not available or were not evaluated, and the functional significance of this variant is currently unknown. In summary, the available evidence is currently insufficient to determine the role of this variant in disease. Therefore, it has been classified as a Variant of Uncertain Significance.

NM_001378454.1(ALMS1):c.5314G>C (p.Glu1772Gln)

Gene: ALMS1 (ALMS1 centrosome and basal body associated protein; plus strand). Cytogenetic location: 2p13.1.
Variant type: single nucleotide variant.
Coding change: c.5314G>C on transcript NM_001378454.1 (MANE Select); coding-DNA position 5314, G replaced by C.
Protein change: p.Glu1772Gln; replaces glutamic acid 1772 with glutamine.
Molecular consequence: missense variant.
Genome position (GRCh38, 1-based): chr2:73,451,841, G>C. VCF-style: chr2-73451841-G-C. GRCh37 (hg19) VCF-style: chr2-73678968-G-C.
Other names: c.5317G>C, p.Glu1773Gln (NM_015120.4); short protein forms E1772Q, E1773Q.
Identifiers: ClinVar variation 1490332 (VCV001490332.6), dbSNP rs2103786011, ClinGen allele CA347280931.